The following is an entry in ClinVar:

ClinVar aggregate classification (germline): Uncertain significance (1 of 4 stars; one submission).

Conditions:
Cutis laxa, autosomal dominant 3 (ADCL3). Identifiers: Orphanet 90348, MedGen C4225268, MONDO:0014706, OMIM 616603.
Autosomal dominant spastic paraplegia type 9. Identifiers: MedGen C1832669, MONDO:0015091.
de Barsy syndrome. Also called: Cutis laxa-corneal clouding-oligophrenia syndrome. Identifiers: Orphanet 2962, MedGen C0268354, MONDO:0017569.

gnomAD v4.1: 3 of 1,614,186 alleles (0.00019%); highest among the groups gnomAD compares: Middle Eastern, 0.033%; 1 homozygote.

Submission:

Labcorp Genetics (formerly Invitae), Labcorp
Classification: Uncertain significance for Autosomal dominant spastic paraplegia type 9; de Barsy syndrome; Cutis laxa, autosomal dominant 3. Last evaluated: 2022-12-20. Review status: criteria provided, single submitter. Criteria: Invitae Variant Classification Sherloc (09022015). Collection method: clinical testing. Allele origin: germline.
Comment: Advanced modeling of protein sequence and biophysical properties (such as structural, functional, and spatial information, amino acid conservation, physicochemical variation, residue mobility, and thermodynamic stability) performed at Invitae indicates that this missense variant is not expected to disrupt ALDH18A1 protein function. In summary, the available evidence is currently insufficient to determine the role of this variant in disease. Therefore, it has been classified as a Variant of Uncertain Significance. This variant has not been reported in the literature in individuals affected with ALDH18A1-related conditions. This variant is not present in population databases (gnomAD no frequency). This sequence change replaces methionine, which is neutral and non-polar, with isoleucine, which is neutral and non-polar, at codon 551 of the ALDH18A1 protein (p.Met551Ile).

NM_002860.4(ALDH18A1):c.1653G>T (p.Met551Ile)

Gene: ALDH18A1 (aldehyde dehydrogenase 18 family member A1; minus strand). Cytogenetic location: 10q24.1.
Variant type: single nucleotide variant.
Coding change: c.1653G>T on transcript NM_002860.4 (MANE Select); coding-DNA position 1653, G replaced by T.
Protein change: p.Met551Ile; replaces methionine 551 with isoleucine.
Molecular consequence: missense variant.
Genome position (GRCh38, 1-based): chr10:95,614,114, C>A on the plus strand (G>T on the coding strand, the complement: ALDH18A1 is on the minus strand). VCF-style: chr10-95614114-C-A. GRCh37 (hg19) VCF-style: chr10-97373871-C-A.
Other names: c.1320G>T, p.Met440Ile (NM_001323412.2, NM_001323416.2); c.1653G>T, p.Met551Ile (NM_001323413.2, NM_001323414.2); c.1647G>T, p.Met549Ile (NM_001323415.2, NM_001017423.2); c.1548G>T, p.Met516Ile (NM_001323417.2); c.1314G>T, p.Met438Ile (NM_001323418.2); c.1017G>T, p.Met339Ile (NM_001323419.2); short protein forms M438I, M549I, M440I, M516I, M339I, M551I.
Identifiers: ClinVar variation 2938759 (VCV002938759.3), dbSNP rs2526730144, ClinGen allele CA377700808.